The following is an entry in ClinVar:

NM_004453.4(ETFDH):c.1106G>A (p.Gly369Asp)

Gene: ETFDH (electron transfer flavoprotein dehydrogenase; plus strand). Cytogenetic location: 4q32.1.
Variant type: single nucleotide variant.
Coding change: c.1106G>A on transcript NM_004453.4 (MANE Select); coding-DNA position 1106, G replaced by A.
Protein change: p.Gly369Asp; replaces glycine 369 with aspartic acid.
Molecular consequence: missense variant.
Genome position (GRCh38, 1-based): chr4:158,699,120, G>A. VCF-style: chr4-158699120-G-A. GRCh37 (hg19) VCF-style: chr4-159620272-G-A.
Other names: c.923G>A, p.Gly308Asp (NM_001281738.1); c.965G>A, p.Gly322Asp (NM_001281737.2); short protein forms G369D, G308D, G322D.
Identifiers: ClinVar variation 4711549 (VCV004711549.1).

ClinVar aggregate classification (germline): Uncertain significance (1 of 4 stars; one submission).

Conditions:
Multiple acyl-CoA dehydrogenase deficiency (MADD). Also called: Glutaric Acidemia type 2; Glutaric aciduria, type 2; Glutaric acidemia type II; GA 2; ETHYLMALONIC-ADIPICACIDURIA; GA II. Identifiers: Orphanet 26791, MedGen C0268596, MONDO:0009282, OMIM 231680.

gnomAD v4.1: 24 of 1,613,794 alleles (0.0015%); highest among the groups gnomAD compares: Non-Finnish European, 0.002%; no homozygotes.

Submission:

Labcorp Genetics (formerly Invitae), Labcorp
Classification: Uncertain significance for Multiple acyl-CoA dehydrogenase deficiency. Last evaluated: 2025-02-27. Review status: criteria provided, single submitter. Criteria: Invitae Variant Classification Sherloc (09022015). Collection method: clinical testing. Allele origin: germline.
Comment: This sequence change replaces glycine, which is neutral and non-polar, with aspartic acid, which is acidic and polar, at codon 369 of the ETFDH protein (p.Gly369Asp). This variant is present in population databases (rs754418186, gnomAD 0.002%). This variant has not been reported in the literature in individuals affected with ETFDH-related conditions. Invitae Evidence Modeling of protein sequence and biophysical properties (such as structural, functional, and spatial information, amino acid conservation, physicochemical variation, residue mobility, and thermodynamic stability) indicates that this missense variant is expected to disrupt ETFDH protein function with a positive predictive value of 80%. In summary, the available evidence is currently insufficient to determine the role of this variant in disease. Therefore, it has been classified as a Variant of Uncertain Significance.